The following is an entry in ClinVar:

NM_003361.4(UMOD):c.1407G>A (p.Thr469=)

Gene: UMOD (uromodulin; minus strand). Cytogenetic location: 16p12.3.
Variant type: single nucleotide variant.
Coding change: c.1407G>A on transcript NM_003361.4 (MANE Select); coding-DNA position 1407, G replaced by A.
Protein change: p.Thr469=; no amino-acid change (threonine 469 retained).
Molecular consequence: synonymous variant. On other transcripts: non-coding transcript variant (1).
Genome position (GRCh38, 1-based): chr16:20,341,261, C>T on the plus strand (G>A on the coding strand, the complement: UMOD is on the minus strand). VCF-style: chr16-20341261-C-T. GRCh37 (hg19) VCF-style: chr16-20352583-C-T.
Other names: c.1407G>A, p.Thr469= (NM_001008389.3, NM_001378232.1, NM_001378233.1); c.1506G>A, p.Thr502= (NM_001278614.2); c.1548G>A, p.Thr516= (NM_001378234.1, NM_001378235.1); c.1407G>A (NM_003361.3).
Identifiers: ClinVar variation 2904912 (VCV002904912.5), dbSNP rs764251559, ClinGen allele CA7939152.

ClinVar aggregate classification (germline): Likely benign. Review status: criteria provided, single submitter (1 of 4 stars). 2 submissions from 2 submitters: Likely benign (1). 1 of the submissions does not count toward it. Last evaluated 2023-04-14.

Conditions:
UMOD-related disorder. Also called: UMOD-related condition.

Allele frequency attached by ClinVar (database versions not stated): ExAC 0.00001; gnomAD 0.00001; gnomAD exomes 0.00001.
gnomAD v4.1: 15 of 1,613,868 alleles (0.00093%); highest among the groups gnomAD compares: Admixed American, 0.0017%; no homozygotes.

Submissions (2):

Labcorp Genetics (formerly Invitae), Labcorp
Classification: Likely benign. Last evaluated: 2023-04-14. Review status: criteria provided, single submitter. Criteria: Invitae Variant Classification Sherloc (09022015). Collection method: clinical testing. Allele origin: germline.

PreventionGenetics, part of Exact Sciences
Classification: Likely benign for UMOD-related condition. Last evaluated: 2019-06-23. Review status: no assertion criteria provided. Collection method: clinical testing. Allele origin: germline. Not counted in ClinVar's aggregate classification.
Comment: This variant is classified as likely benign based on ACMG/AMP sequence variant interpretation guidelines (Richards et al. 2015 PMID: 25741868, with internal and published modifications).